The following is an entry in ClinVar:

ClinVar aggregate classification (germline): Pathogenic (1 of 4 stars; one submission).

Conditions:
Primary ciliary dyskinesia. Also called: Ciliary dyskinesia. Identifiers: Orphanet 244, MedGen C0008780, MONDO:0016575, HP:0012265.

Submission:

Labcorp Genetics (formerly Invitae), Labcorp
Classification: Pathogenic for Primary ciliary dyskinesia. Last evaluated: 2022-09-15. Review status: criteria provided, single submitter. Criteria: Invitae Variant Classification Sherloc (09022015). Collection method: clinical testing. Allele origin: germline.
Comment: For these reasons, this variant has been classified as Pathogenic. A similar copy number variant has been observed in individual(s) with clinical features of retinitis pigmentosa (PMID: 34946927). This variant is a gross deletion of the genomic region encompassing exon(s) 1 of the RPGR gene, which includes the initiator codon. This deletion extends beyond the assayed region for this gene and therefore may encompass additional genes. It is expected to result in an absent or disrupted protein product. Loss-of-function variants in RPGR are known to be pathogenic (PMID: 16055928, 16969763).

Literature cited by the submitters: PubMed 34946927; PubMed 16055928; PubMed 16969763.

NC_000023.10:g.(?_38186573)_(38186620_?)del

Gene: RPGR (retinitis pigmentosa GTPase regulator; minus strand). Cytogenetic location: Xp11.4.
Variant type: Deletion.
Identifiers: ClinVar variation 2422893 (VCV002422893.12).